The following is an entry in ClinVar:

NC_000011.9:g.(?_133938979)_(133939074_?)dup

Gene: JAM3 (junctional adhesion molecule 3; plus strand). Cytogenetic location: 11q25.
Variant type: Duplication.
Identifiers: ClinVar variation 2427066 (VCV002427066.4).

ClinVar aggregate classification (germline): Uncertain significance (1 of 4 stars; one submission).

Submission:

Labcorp Genetics (formerly Invitae), Labcorp
Classification: Uncertain significance. Last evaluated: 2021-12-31. Review status: criteria provided, single submitter. Criteria: Invitae Variant Classification Sherloc (09022015). Collection method: clinical testing. Allele origin: germline.
Comment: In summary, the available evidence is currently insufficient to determine the role of this variant in disease. Therefore, it has been classified as a Variant of Uncertain Significance. Experimental studies and prediction algorithms are not available or were not evaluated, and the functional significance of this variant is currently unknown. This variant has not been reported in the literature in individuals affected with JAM3-related conditions. This variant results in a copy number gain of the genomic region encompassing exon(s) 1 of the JAM3 gene. This region includes the initiator codon of the gene. This copy number gain extends beyond the assayed region for this gene and therefore may encompass additional genes. As the precise location of this event is unknown, it may be in tandem or it may be located elsewhere in the genome.